The following is an entry in ClinVar:

ClinVar aggregate classification (germline): Likely pathogenic (1 of 4 stars; one submission).

Conditions:
Propionic acidemia (PROP). Also called: GLYCINEMIA, KETOTIC; HYPERGLYCINEMIA WITH KETOACIDOSIS AND LEUKOPENIA; KETOTIC HYPERGLYCINEMIA. Identifiers: Orphanet 35, MedGen C0268579, MONDO:0011628, OMIM 606054, HP:0003571.

Submission:

Myriad Genetics, Inc.
Classification: Likely pathogenic for Propionic acidemia. Last evaluated: 2022-02-17. Review status: criteria provided, single submitter. Criteria: Myriad Women's Health Autosomal Recessive and X-Linked Classification Criteria (2021). Collection method: clinical testing. Allele origin: unknown.
Comment: NM_000532.4(PCCB):c.488delG(G163Efs*19) is expected to be pathogenic in the context of PCCB-related propionic acidemia. This variant is predicted to lead to an abnormal or absent protein product due to the creation of a premature termination codon in PCCB, a gene where loss-of-function variants are known to be pathogenic. Please note: this variant was assessed in the context of healthy population screening.

NM_000532.5(PCCB):c.488del (p.Gly163fs)

Gene: PCCB (propionyl-CoA carboxylase subunit beta; plus strand). Cytogenetic location: 3q22.3.
Variant type: Deletion.
Coding change: c.488del on transcript NM_000532.5 (MANE Select); coding-DNA position 488, one base deleted (G; older notation c.488delG).
Protein change: p.Gly163fs; shifts the reading frame from glycine 163.
Molecular consequence: frameshift variant.
Genome position (GRCh38, 1-based): chr3:136,262,010, G deleted; the last of 5 consecutive G bases (chr3:136,262,006-136,262,010); deleting any one gives the same sequence. VCF-style (leftmost placement, unchanged base first): chr3-136262005-TG-T. GRCh37 (hg19) VCF-style: chr3-135980847-TG-T.
Other names: c.548del, p.Gly183fs (NM_001178014.2); short protein forms G163fs, G183fs.
Identifiers: ClinVar variation 1724501 (VCV001724501.2), dbSNP rs1553774884, ClinGen allele CA546661846.
Genomic context (GRCh38, chr3:136,262,005, plus strand): 5'-GTCTCAGATCATGGACCAGGCCATAACGGTGGGGGCTCCAGTGATTGGGCTGAATGACTC[TG>T]GGGGAGCACGGATCCAAGAAGGAGTGGAGTCTTTGGCTGGCTATGCAGACATCTTTCTGG-3'